The following is an entry in ClinVar:

NM_000384.3(APOB):c.4818C>T (p.Tyr1606=)

Gene: APOB (apolipoprotein B; minus strand). Cytogenetic location: 2p24.1.
Variant type: single nucleotide variant.
Coding change: c.4818C>T on transcript NM_000384.3 (MANE Select); coding-DNA position 4818, C replaced by T.
Protein change: p.Tyr1606=; no amino-acid change (tyrosine 1606 retained).
Molecular consequence: synonymous variant.
Genome position (GRCh38, 1-based): chr2:21,012,050, G>A on the plus strand (C>T on the coding strand, the complement: APOB is on the minus strand). VCF-style: chr2-21012050-G-A. GRCh37 (hg19) VCF-style: chr2-21234922-G-A.
Identifiers: ClinVar variation 922937 (VCV000922937.16), dbSNP rs564437453, ClinGen allele CA061299.

ClinVar aggregate classification (germline): Likely benign. Review status: criteria provided, multiple submitters, no conflicts (2 of 4 stars). 4 submissions from 4 submitters: Likely benign (4). Last evaluated 2025-04-09.

Conditions:
Familial hypobetalipoproteinemia 1. Also called: Hypobetalipoproteinemia, normotriglyceridemic; Acanthocytosis with hypobetalipoproteinemia; APOB-Related Familial Hypobetalipoproteinemia. Identifiers: MedGen C4551990, MONDO:0014252, OMIM 615558.
Hypercholesterolemia, autosomal dominant, type B (FHCL2). Also called: Familial Hypercholesterolemia Type B; HYPERCHOLESTEROLEMIA, FAMILIAL, DUE TO LIGAND-DEFECTIVE APOLIPOPROTEIN B; Familial hypercholesterolemia 2; APOB-Related Familial Hypercholesterolemia, Autosomal Dominant; APOLIPOPROTEIN B-100, FAMILIAL DEFECTIVE; APOLIPOPROTEIN B-100, FAMILIAL LIGAND-DEFECTIVE. Identifiers: MedGen C1704417, MONDO:0007751, OMIM 144010.
Cardiovascular phenotype. Identifiers: MedGen CN230736.
Familial hypercholesterolemia. Also called: Familial hypercholesterolemias; Familial hypercholesterolaemia. Identifiers: MedGen C0020445, MONDO:0005439.

Allele frequency attached by ClinVar (database versions not stated): gnomAD 0.00001; TOPMed 0.00001; gnomAD exomes 0.00002; ExAC 0.00004; 1000 Genomes Project 30x 0.00016; 1000 Genomes Project 0.00020.
gnomAD v4.1: 38 of 1,614,170 alleles (0.0024%); highest among the groups gnomAD compares: Middle Eastern, 0.016%; no homozygotes.

Submissions (4):

Molecular Diagnostic Laboratory for Inherited Cardiovascular Disease, Montreal Heart Institute
Classification: Likely benign. Last evaluated: 2025-04-09. Review status: criteria provided, single submitter. Criteria: ACMG Guidelines, 2015. Collection method: clinical testing. Allele origin: germline. Affected: no.

Ambry Genetics
Classification: Likely benign for Cardiovascular phenotype. Last evaluated: 2025-02-13. Review status: criteria provided, single submitter. Criteria: Ambry Variant Classification Scheme 2023. Collection method: clinical testing. Allele origin: germline.

GENinCode PLC
Classification: Likely benign for Familial hypercholesterolemia. Last evaluated: 2025-01-09. Review status: criteria provided, single submitter. Criteria: ACMG Guidelines, 2015. Collection method: clinical testing. Allele origin: germline.
Comment: This is a synonymous (silent) variant that is not predicted to impact splicing and occurs at a nucleotide which is not highly conserved. This variant has been classified as Likely Benign (BP4, BP7).

Labcorp Genetics (formerly Invitae), Labcorp
Classification: Likely benign for Familial hypobetalipoproteinemia 1; Hypercholesterolemia, autosomal dominant, type B. Last evaluated: 2024-03-26. Review status: criteria provided, single submitter. Criteria: Invitae Variant Classification Sherloc (09022015). Collection method: clinical testing. Allele origin: germline.